The following is an entry in ClinVar:

ClinVar aggregate classification (germline): Uncertain significance (1 of 4 stars; one submission).

Conditions:
Dilated cardiomyopathy 1KK (CMD1KK). Identifiers: Orphanet 154, Orphanet 75249, MedGen C3714995, MONDO:0014100, OMIM 615248.

Submission:

Labcorp Genetics (formerly Invitae), Labcorp
Classification: Uncertain significance for Dilated cardiomyopathy 1KK. Last evaluated: 2021-09-08. Review status: criteria provided, single submitter. Criteria: Invitae Variant Classification Sherloc (09022015). Collection method: clinical testing. Allele origin: germline.
Comment: In summary, the available evidence is currently insufficient to determine the role of this variant in disease. Therefore, it has been classified as a Variant of Uncertain Significance. Algorithms developed to predict the effect of missense changes on protein structure and function (SIFT, PolyPhen-2, Align-GVGD) all suggest that this variant is likely to be tolerated. This variant has not been reported in the literature in individuals affected with MYPN-related conditions. This variant is not present in population databases (ExAC no frequency). This sequence change replaces serine with proline at codon 142 of the MYPN protein (p.Ser142Pro). The serine residue is moderately conserved and there is a moderate physicochemical difference between serine and proline.

NM_032578.4(MYPN):c.424T>C (p.Ser142Pro)

Gene: MYPN (myopalladin; plus strand). Cytogenetic location: 10q21.3.
Variant type: single nucleotide variant.
Coding change: c.424T>C on transcript NM_032578.4 (MANE Select); coding-DNA position 424, T replaced by C.
Protein change: p.Ser142Pro; replaces serine 142 with proline.
Molecular consequence: missense variant. On other transcripts: 5 prime UTR variant (1), non-coding transcript variant (1).
Genome position (GRCh38, 1-based): chr10:68,121,862, T>C. VCF-style: chr10-68121862-T-C. GRCh37 (hg19) VCF-style: chr10-69881619-T-C.
Other names: c.424T>C, p.Ser142Pro (NM_001256267.2); c.-699T>C (NM_001256268.2); short protein forms S142P.
Identifiers: ClinVar variation 1489242 (VCV001489242.6), dbSNP rs2133994828, ClinGen allele CA377104319.
Genomic context (GRCh38, chr10:68,121,862, plus strand): 5'-CCTCGAAGTCCCACCAGCTCTAAAGAAAGCCCCCAGGAGGCAAAAAGGCCACAGTATTGT[T>C]CTGAAACCCAGTCCAAAAAAGTATTTTTAAATAAGGCTGCCGACTTCATTGAAGAGCTAT-3'
Protein context (NP_115967.2, residues 132-152): PQEAKRPQYC[Ser142Pro]ETQSKKVFLN